The following is an entry in ClinVar:

NM_000051.4(ATM):c.5762G>C (p.Arg1921Thr)

Gene: ATM (ATM serine/threonine kinase; plus strand). Cytogenetic location: 11q22.3.
Variant type: single nucleotide variant.
Coding change: c.5762G>C on transcript NM_000051.4 (MANE Select); coding-DNA position 5762, G replaced by C.
Protein change: p.Arg1921Thr; replaces arginine 1921 with threonine.
Molecular consequence: missense variant.
Genome position (GRCh38, 1-based): chr11:108,307,984, G>C. VCF-style: chr11-108307984-G-C. GRCh37 (hg19) VCF-style: chr11-108178711-G-C.
Other names: c.5762G>C, p.Arg1921Thr (NM_001351834.2); short protein forms R1921T.
Identifiers: ClinVar variation 2506975 (VCV002506975.2), dbSNP rs2547006471, ClinGen allele CA382548028.

ClinVar aggregate classification (germline): Uncertain significance (1 of 4 stars; one submission).

Conditions:
Familial cancer of breast. Also called: hereditary breast carcinoma; Hereditary breast cancer; BREAST CANCER, FAMILIAL. Identifiers: Orphanet 227535, MedGen C0346153, MONDO:0016419, OMIM 114480. Disease mechanism: loss of function.

Submission:

KCCC/NGS Laboratory, Kuwait Cancer Control Center
Classification: Uncertain significance for Familial cancer of breast. Last evaluated: 2023-06-06. Review status: criteria provided, single submitter. Criteria: ACMG Guidelines, 2015. Collection method: clinical testing. Allele origin: germline. Affected: yes.
Comment: This sequence change replaces arginine with threonine at codon 1921 of the ATM protein. The arginine residue is highly conserved and there is a large physicochemical difference between arginine and threonine. This variant is not present in population databases gnomAD. This variant has not been reported in the literature in individuals with ATM-related disease. ClinVar contains no entry for this variant. In-silico predictions show Pathogenic computational verdict based on 10 pathogenic predictions from BayesDel_addAF, DANN, EIGEN, FATHMM-MKL, M-CAP, MVP, MutationAssessor, MutationTaster, SIFT and scSNV-Splicing vs 3 benign predictions from DEOGEN2, LIST-S2 and PrimateAI. These predictions have not been confirmed by published functional studies and their clinical significance is uncertain. Therefore, it has been classified as a Variant of Uncertain Significance. Pathogenic/likely pathogenic mutations in the ATM gene cause increased susceptibility to breast cancer (OMIM # 114480).